The following is an entry in ClinVar:

ClinVar aggregate classification (germline): Uncertain significance (1 of 4 stars; one submission).

Conditions:
DICER1-related tumor predisposition. Also called: DICER1-related pleuropulmonary blastoma cancer predisposition syndrome; DICER1 syndrome. Identifiers: Orphanet 284343, MedGen C3839822, MONDO:0100216.

Submission:

Labcorp Genetics (formerly Invitae), Labcorp
Classification: Uncertain significance for DICER1-related tumor predisposition. Last evaluated: 2023-09-01. Review status: criteria provided, single submitter. Criteria: Invitae Variant Classification Sherloc (09022015). Collection method: clinical testing. Allele origin: germline.
Comment: In summary, the available evidence is currently insufficient to determine the role of this variant in disease. Therefore, it has been classified as a Variant of Uncertain Significance. Advanced modeling of protein sequence and biophysical properties (such as structural, functional, and spatial information, amino acid conservation, physicochemical variation, residue mobility, and thermodynamic stability) performed at Invitae indicates that this missense variant is not expected to disrupt DICER1 protein function. This variant has not been reported in the literature in individuals affected with DICER1-related conditions. This variant is not present in population databases (gnomAD no frequency). This sequence change replaces isoleucine, which is neutral and non-polar, with phenylalanine, which is neutral and non-polar, at codon 582 of the DICER1 protein (p.Ile582Phe).

NM_177438.3(DICER1):c.1744A>T (p.Ile582Phe)

Gene: DICER1 (dicer 1, ribonuclease III; minus strand). Cytogenetic location: 14q32.13.
Variant type: single nucleotide variant.
Coding change: c.1744A>T on transcript NM_177438.3 (MANE Select); coding-DNA position 1744, A replaced by T.
Protein change: p.Ile582Phe; replaces isoleucine 582 with phenylalanine.
Molecular consequence: missense variant. On other transcripts: non-coding transcript variant (6).
Genome position (GRCh38, 1-based): chr14:95,116,461, T>A on the plus strand (A>T on the coding strand, the complement: DICER1 is on the minus strand). VCF-style: chr14-95116461-T-A. GRCh37 (hg19) VCF-style: chr14-95582798-T-A.
Other names: c.1744A>T, p.Ile582Phe (NM_001195573.1, NM_001271282.3, NM_001291628.2 and 13 more transcripts); c.1462A>T, p.Ile488Phe (NM_001395686.1); c.1339A>T, p.Ile447Phe (NM_001395687.1, NM_001395688.1, NM_001395689.1 and 3 more transcripts); c.1177A>T, p.Ile393Phe (NM_001395691.1); c.61A>T, p.Ile21Phe (NM_001395697.1); short protein forms I21F, I582F, I393F, I447F, I488F.
Identifiers: ClinVar variation 2795248 (VCV002795248.3), dbSNP rs2140122754, ClinGen allele CA390884660.